The following is an entry in ClinVar:

NM_004423.4(DVL3):c.277G>A (p.Ala93Thr)

Gene: DVL3 (dishevelled segment polarity protein 3; plus strand). Cytogenetic location: 3q27.1.
Variant type: single nucleotide variant.
Coding change: c.277G>A on transcript NM_004423.4 (MANE Select); coding-DNA position 277, G replaced by A.
Protein change: p.Ala93Thr; replaces alanine 93 with threonine.
Molecular consequence: missense variant.
Genome position (GRCh38, 1-based): chr3:184,164,312, G>A. VCF-style: chr3-184164312-G-A. GRCh37 (hg19) VCF-style: chr3-183882100-G-A.
Other names: short protein forms A93T.
Identifiers: ClinVar variation 2793622 (VCV002793622.3), dbSNP rs1395513224, ClinGen allele CA355402852.
Genomic context (GRCh38, chr3:184,164,312, plus strand): 5'-GTTTCTCCCTTTCAGCTGGTGTCAGCTGAGGGCTCACACCCAGACCCAGCCCCCTTCTGT[G>A]CTGATAACCCATCGGAGCTGCCACCACCTATGGAGCGCACGGGAGGCATCGGGGACTCCC-3'
Protein context (NP_004414.3, residues 83-103): GSHPDPAPFC[Ala93Thr]DNPSELPPPM

ClinVar aggregate classification (germline): Uncertain significance (1 of 4 stars; one submission).

Submission:

Labcorp Genetics (formerly Invitae), Labcorp
Classification: Uncertain significance. Last evaluated: 2023-07-25. Review status: criteria provided, single submitter. Criteria: Invitae Variant Classification Sherloc (09022015). Collection method: clinical testing. Allele origin: germline.
Comment: In summary, the available evidence is currently insufficient to determine the role of this variant in disease. Therefore, it has been classified as a Variant of Uncertain Significance. An algorithm developed to predict the effect of missense changes on protein structure and function (PolyPhen-2) suggests that this variant is likely to be tolerated. This variant has not been reported in the literature in individuals affected with DVL3-related conditions. This variant is not present in population databases (gnomAD no frequency). This sequence change replaces alanine, which is neutral and non-polar, with threonine, which is neutral and polar, at codon 93 of the DVL3 protein (p.Ala93Thr).